The following is an entry in ClinVar:

NM_000535.7(PMS2):c.2089A>G (p.Ile697Val)

Gene: PMS2 (PMS1 homolog 2, mismatch repair system component; minus strand). Cytogenetic location: 7p22.1.
Variant type: single nucleotide variant.
Coding change: c.2089A>G on transcript NM_000535.7 (MANE Select); coding-DNA position 2089, A replaced by G.
Protein change: p.Ile697Val; replaces isoleucine 697 with valine.
Molecular consequence: missense variant. On other transcripts: non-coding transcript variant (1).
Genome position (GRCh38, 1-based): chr7:5,982,909, T>C on the plus strand (A>G on the coding strand, the complement: PMS2 is on the minus strand). VCF-style: chr7-5982909-T-C. GRCh37 (hg19) VCF-style: chr7-6022540-T-C.
Other names: c.1684A>G, p.Ile562Val (NM_001322003.2, NM_001322004.2, NM_001322005.2 and 1 more transcripts); c.1933A>G, p.Ile645Val (NM_001322006.2); c.1771A>G, p.Ile591Val (NM_001322007.2, NM_001322008.2); c.1528A>G, p.Ile510Val (NM_001322010.2); c.1156A>G, p.Ile386Val (NM_001322011.2, NM_001322012.2); c.1516A>G, p.Ile506Val (NM_001322013.2); c.2089A>G, p.Ile697Val (NM_001322014.2); c.1780A>G, p.Ile594Val (NM_001322015.2); short protein forms I697V, I510V, I506V, I594V, I645V, I386V, I562V, I591V.
Identifiers: ClinVar variation 484283 (VCV000484283.18), dbSNP rs1554295859, ClinGen allele CA366738020.

ClinVar aggregate classification (germline): Uncertain significance. Review status: criteria provided, multiple submitters, no conflicts (2 of 4 stars). 6 submissions from 6 submitters: Uncertain significance (5). 1 of the submissions does not count toward it. Last evaluated 2025-12-16.

Conditions:
Hereditary cancer-predisposing syndrome. Also called: Neoplastic Syndromes, Hereditary; Tumor predisposition; Hereditary Cancer Syndrome; Hereditary neoplastic syndrome. Identifiers: Orphanet 140162, MedGen C0027672, MeSH D009386, MONDO:0015356.
Hereditary nonpolyposis colorectal neoplasms. Identifiers: MedGen C0009405, MeSH D003123.
Lynch syndrome 4 (LYNCH4). Also called: Colorectal cancer, hereditary nonpolyposis, type 4; Hereditary non-polyposis colorectal cancer, type 4. Identifiers: Orphanet 144, MedGen C1838333, MONDO:0013699, OMIM 614337. Disease mechanism: loss of function.

Submissions (6):

Color Diagnostics, LLC DBA Color Health
Classification: Uncertain significance for Hereditary cancer-predisposing syndrome. Last evaluated: 2025-12-16. Review status: criteria provided, single submitter. Criteria: ACMG Guidelines, 2015. Collection method: clinical testing. Allele origin: germline.
Comment: This missense variant replaces isoleucine with valine at codon 697 of the PMS2 protein. Computational prediction suggests that this variant may not impact protein structure and function. To our knowledge, functional studies have not been reported for this variant. This variant has not been reported in individuals affected with PMS2-related disorders in the literature. This variant has been identified in 1/1598204 chromosomes in the general population by the Genome Aggregation Database (gnomAD). The available evidence is insufficient to determine the role of this variant in disease conclusively. Therefore, this variant is classified as a Variant of Uncertain Significance.

Labcorp Genetics (formerly Invitae), Labcorp
Classification: Uncertain significance for Hereditary nonpolyposis colorectal neoplasms. Last evaluated: 2024-09-23. Review status: criteria provided, single submitter. Criteria: Invitae Variant Classification Sherloc (09022015). Collection method: clinical testing. Allele origin: germline.
Comment: This sequence change replaces isoleucine, which is neutral and non-polar, with valine, which is neutral and non-polar, at codon 697 of the PMS2 protein (p.Ile697Val). The frequency data for this variant in the population databases (gnomAD) is considered unreliable due to the presence of homologous sequence, such as pseudogenes or paralogs, in the genome. This variant has not been reported in the literature in individuals affected with PMS2-related conditions. ClinVar contains an entry for this variant (Variation ID: 484283). Invitae Evidence Modeling of protein sequence and biophysical properties (such as structural, functional, and spatial information, amino acid conservation, physicochemical variation, residue mobility, and thermodynamic stability) indicates that this missense variant is not expected to disrupt PMS2 protein function with a negative predictive value of 80%. In summary, the available evidence is currently insufficient to determine the role of this variant in disease. Therefore, it has been classified as a Variant of Uncertain Significance.

Ambry Genetics
Classification: Uncertain significance for Hereditary cancer-predisposing syndrome. Last evaluated: 2023-12-19. Review status: criteria provided, single submitter. Criteria: Ambry Variant Classification Scheme 2023. Collection method: clinical testing. Allele origin: germline.
Comment: The p.I697V variant (also known as c.2089A>G), located in coding exon 12 of the PMS2 gene, results from an A to G substitution at nucleotide position 2089. The isoleucine at codon 697 is replaced by valine, an amino acid with highly similar properties. This amino acid position is poorly conserved in available vertebrate species. In addition, this alteration is predicted to be tolerated by in silico analysis. Since supporting evidence is limited at this time, the clinical significance of this alteration remains unclear.

Myriad Genetics, Inc.
Classification: Uncertain significance for Lynch syndrome 4. Last evaluated: 2023-04-03. Review status: criteria provided, single submitter. Criteria: Myriad Autosomal Dominant, Autosomal Recessive and X-Linked Classification Criteria (2023). Collection method: clinical testing. Allele origin: unknown.
Comment: This variant is classified as a variant of uncertain significance as there is insufficient evidence to determine its impact on protein function and/or cancer risk.

GeneDx
Classification: Uncertain significance. Last evaluated: 2020-09-25. Review status: criteria provided, single submitter. Criteria: GeneDx Variant Classification Process June 2021. Collection method: clinical testing. Allele origin: germline. Affected: yes.
Comment: Not observed in large population cohorts (Lek et al., 2016); In silico analysis supports that this missense variant does not alter protein structure/function; Has not been previously published as pathogenic or benign to our knowledge

Counsyl
Classification: Uncertain significance for Lynch syndrome 4. Last evaluated: 2017-07-07. Review status: no assertion criteria provided. Collection method: clinical testing. Allele origin: unknown. Not counted in ClinVar's aggregate classification.